The following is an entry in ClinVar:

NM_006045.3(ATP9A):c.1042C>T (p.Arg348Cys)

Gene: ATP9A (ATPase phospholipid transporting 9A; minus strand). Cytogenetic location: 20q13.2.
Variant type: single nucleotide variant.
Coding change: c.1042C>T on transcript NM_006045.3 (MANE Select); coding-DNA position 1042, C replaced by T.
Protein change: p.Arg348Cys; replaces arginine 348 with cysteine.
Molecular consequence: missense variant.
Genome position (GRCh38, 1-based): chr20:51,671,253, G>A on the plus strand (C>T on the coding strand, the complement: ATP9A is on the minus strand). VCF-style: chr20-51671253-G-A. GRCh37 (hg19) VCF-style: chr20-50287792-G-A.
Other names: short protein forms R348C.
Identifiers: ClinVar variation 4976681 (VCV004976681.1).
Genomic context (GRCh38, chr20:51,671,253, plus strand): 5'-TTTTCGAGTCCCTTCGAATCACCCAGCTGTACACGATCTTGCCCATGTCCAGGTTCACAC[G>A]CAAACTAGGCACAAAACCAGAGCAAACAGGCTAACAGGACAGATGTAAGGCTCCTTGTAT-3'
Protein context (NP_006036.1, residues 338-358): LFSNIIPISL[Arg348Cys]VNLDMGKIVY

ClinVar aggregate classification (germline): Uncertain significance (1 of 4 stars; one submission).

gnomAD v4.1: 17 of 1,612,582 alleles (0.0011%); highest among the groups gnomAD compares: African/African-American, 0.008%; no homozygotes.

Submission:

GeneDx
Classification: Uncertain significance. Last evaluated: 2026-03-15. Review status: criteria provided, single submitter. Criteria: GeneDx Variant Classification Process June 2021. Collection method: clinical testing. Allele origin: germline.
Comment: Reported previously as a de novo variant in a proband from a cohort of individuals with autism who also harbors two other ATP9A variants; detailed clinical information and segregation not available (PMID: 35982159, 35982160); In silico analysis supports that this missense variant has a deleterious effect on protein structure/function; This variant is associated with the following publications: (PMID: 35982159, 35982160)